The following is an entry in ClinVar:

NC_000012.11:g.(?_132414268)_(133263901_?)dup

Genes: DDX51 (DEAD-box helicase 51; minus strand), EP400 (E1A binding protein p400; plus strand), FBRSL1 (fibrosin like 1; plus strand), LRCOL1 (leucine rich colipase like 1; minus strand), MUC8 (mucin 8; minus strand) and 4 more. Cytogenetic location: 12q24.33.
Variant type: Duplication.
Identifiers: ClinVar variation 2425542 (VCV002425542.3).

ClinVar aggregate classification (germline): Uncertain significance (1 of 4 stars; one submission).

Conditions:
Colorectal cancer, susceptibility to, 12 (CRCS12). Also called: COLORECTAL CANCER, SUSCEPTIBILITY TO, ON CHROMOSOME 12q24. Identifiers: Orphanet 220460, MedGen C3554460, MONDO:0014038, OMIM 615083.

Submission:

Labcorp Genetics (formerly Invitae), Labcorp
Classification: Uncertain significance for Colorectal cancer, susceptibility to, 12. Last evaluated: 2022-10-30. Review status: criteria provided, single submitter. Criteria: Invitae Variant Classification Sherloc (09022015). Collection method: clinical testing. Allele origin: germline.
Comment: A copy number gain of the genomic region encompassing the full coding sequence of the POLE gene has been identified. The boundaries of this event are unknown as they extend beyond the assayed region for this gene and therefore may encompass additional genes. As the precise location of this event is unknown, it may be in tandem or it may be located elsewhere in the genome. This variant has not been reported in the literature in individuals affected with POLE-related conditions. Experimental studies and prediction algorithms are not available or were not evaluated, and the functional significance of this variant is currently unknown. In summary, the available evidence is currently insufficient to determine the role of this variant in disease. Therefore, it has been classified as a Variant of Uncertain Significance.